The following is an entry in ClinVar:

NM_001267550.2(TTN):c.65783G>T (p.Arg21928Leu)

Genes: TTN (titin; minus strand), TTN-AS1 (TTN antisense RNA 1; plus strand). Cytogenetic location: 2q31.2.
Variant type: single nucleotide variant.
Coding change: c.65783G>T on transcript NM_001267550.2 (MANE Select); coding-DNA position 65783, G replaced by T.
Protein change: p.Arg21928Leu; replaces arginine 21928 with leucine.
Molecular consequence: missense variant. On other transcripts: non-coding transcript variant (1).
Genome position (GRCh38, 1-based): chr2:178,583,020, C>A on the plus strand (G>T on the coding strand, the complement: TTN is on the minus strand). VCF-style: chr2-178583020-C-A. GRCh37 (hg19) VCF-style: chr2-179447747-C-A.
Other names: c.60860G>T, p.Arg20287Leu (NM_001256850.1); c.38588G>T, p.Arg12863Leu (NM_003319.4); c.58079G>T, p.Arg19360Leu (NM_133378.4); c.38963G>T, p.Arg12988Leu (NM_133432.3); c.39164G>T, p.Arg13055Leu (NM_133437.4); short protein forms R12863L, R12988L, R13055L, R19360L, R20287L, R21928L.
Identifiers: ClinVar variation 3378300 (VCV003378300.1).

ClinVar aggregate classification (germline): Uncertain significance (1 of 4 stars; one submission).

Submission:

GeneDx
Classification: Uncertain significance. Last evaluated: 2024-05-13. Review status: criteria provided, single submitter. Criteria: GeneDx Variant Classification Process June 2021. Collection method: clinical testing. Allele origin: germline. Affected: yes.
Comment: Not observed at significant frequency in large population cohorts (gnomAD); Missense variant in a gene in which most reported pathogenic variants are truncating/loss of function; Has not been previously published as pathogenic or benign to our knowledge